The following is an entry in ClinVar:

ClinVar aggregate classification (germline): Likely benign. Review status: criteria provided, multiple submitters, no conflicts (2 of 4 stars). 3 submissions from 3 submitters: Likely benign (2). 1 of the submissions does not count toward it. Last evaluated 2026-01-01.

Conditions:
Inborn genetic diseases. Identifiers: MedGen C0950123, MeSH D030342.

Allele frequency attached by ClinVar (database versions not stated): gnomAD exomes 0.00004 and 0.00013; gnomAD 0.00006 and 0.00007; TOPMed 0.00006; 1000 Genomes Project 30x 0.00016; ExAC 0.00017; 1000 Genomes Project 0.00020.
gnomAD v4.1: 74 of 1,613,572 alleles (0.0046%); highest among the groups gnomAD compares: East Asian, 0.087%; 1 homozygote.

Submissions (3):

CeGaT Center for Human Genetics Tuebingen
Classification: Likely benign. Last evaluated: 2026-01-01. Review status: criteria provided, single submitter. Criteria: CeGaT Center For Human Genetics Tuebingen Variant Classification Criteria Version 2. Collection method: clinical testing. Allele origin: germline. Affected: yes. Observed: 1 variant allele.
Comment: CIC: BS1

Ambry Genetics
Classification: Likely benign for Inborn genetic diseases. Last evaluated: 2021-09-02. Review status: criteria provided, single submitter. Criteria: Ambry Variant Classification Scheme 2023. Collection method: clinical testing. Allele origin: germline.

ITMI
No classification provided. Condition: AllHighlyPenetrant. Last evaluated: 2013-09-19. Review status: no classification provided. Collection method: reference population. Allele origin: germline. Not counted in ClinVar's aggregate classification.
Comment: Please see associated publication for description of ethnicities

Literature cited by the submitters: PubMed 24728327 (cited by ITMI).

NM_001386298.1(CIC):c.4873C>T (p.Arg1625Trp)

Gene: CIC (capicua transcriptional repressor; plus strand). Cytogenetic location: 19q13.2.
Variant type: single nucleotide variant.
Coding change: c.4873C>T on transcript NM_001386298.1 (MANE Select); coding-DNA position 4873, C replaced by T.
Protein change: p.Arg1625Trp; replaces arginine 1625 with tryptophan.
Molecular consequence: missense variant.
Genome position (GRCh38, 1-based): chr19:42,290,914, C>T. VCF-style: chr19-42290914-C-T. GRCh37 (hg19) VCF-style: chr19-42795066-C-T.
Other names: c.4873C>T, p.Arg1625Trp (NM_001304815.2, NM_001379480.1, NM_001379482.1); c.2146C>T, p.Arg716Trp (NM_001379484.1, NM_001379485.1, NM_015125.5); c.2146C>T (NM_015125.3); short protein forms R716W, R1625W.
Identifiers: ClinVar variation 133897 (VCV000133897.8), dbSNP rs537583557, ClinGen allele CA158112.